The following is an entry in ClinVar:

NM_003361.4(UMOD):c.757G>A (p.Gly253Ser)

Gene: UMOD (uromodulin; minus strand). Cytogenetic location: 16p12.3.
Variant type: single nucleotide variant.
Coding change: c.757G>A on transcript NM_003361.4 (MANE Select); coding-DNA position 757, G replaced by A.
Protein change: p.Gly253Ser; replaces glycine 253 with serine.
Molecular consequence: missense variant. On other transcripts: non-coding transcript variant (1).
Genome position (GRCh38, 1-based): chr16:20,348,544, C>T on the plus strand (G>A on the coding strand, the complement: UMOD is on the minus strand). VCF-style: chr16-20348544-C-T. GRCh37 (hg19) VCF-style: chr16-20359866-C-T.
Other names: c.757G>A, p.Gly253Ser (NM_001008389.3, NM_001378232.1, NM_001378233.1 and 3 more transcripts); c.856G>A, p.Gly286Ser (NM_001278614.2); short protein forms G253S, G286S.
Identifiers: ClinVar variation 2633167 (VCV002633167.1), dbSNP rs1425081285, ClinGen allele CA394984682.

ClinVar aggregate classification (germline): Uncertain significance (1 of 4 stars; one submission).

Conditions:
UMOD-related disorder. Also called: UMOD-related condition.

Allele frequency attached by ClinVar (database versions not stated): gnomAD exomes below 0.00001.
gnomAD v4.1: 2 of 1,600,920 alleles (0.00012%); highest among the groups gnomAD compares: Admixed American, 0.0017%; no homozygotes.

Submission:

PreventionGenetics, part of Exact Sciences
Classification: Uncertain significance for UMOD-related condition. Last evaluated: 2023-05-19. Review status: criteria provided, single submitter. Criteria: ACMG Guidelines, 2015. Collection method: clinical testing. Allele origin: germline.
Comment: The UMOD c.757G>A variant is predicted to result in the amino acid substitution p.Gly253Ser. To our knowledge, this variant has not been reported in the literature. This variant is reported in 1 of ~224,000 alleles in gnomAD: However, the quality of this call is questionable and should be interpreted with caution. An alternate nucleotide change affecting the same amino acid (p.Gly253Cys) has been reported in an individual with tubulointerstitial kidney disease (Table S1, Olinger et al. 2020. PubMed ID: 32450155). At this time, the clinical significance of the c.757G>A variant is uncertain due to the absence of conclusive functional and genetic evidence.